The following is an entry in ClinVar:

ClinVar aggregate classification (germline): Likely benign. Review status: criteria provided, multiple submitters, no conflicts (2 of 4 stars). 2 submissions from 2 submitters: Likely benign (2). Last evaluated 2026-07-27.

Conditions:
Retinitis pigmentosa 59 (RP59). Identifiers: Orphanet 791, MedGen C3151227, MONDO:0013468, OMIM 613861.
DHDDS-related disorder. Also called: DHDDS-related condition.

Allele frequency attached by ClinVar (database versions not stated): ExAC 0.00001; gnomAD 0.00001; gnomAD exomes 0.00001; TOPMed 0.00003.
gnomAD v4.1: 10 of 1,598,174 alleles (0.00063%); highest among the groups gnomAD compares: Admixed American, 0.005%; no homozygotes.

Submissions (2):

PreventionGenetics, part of Exact Sciences
Classification: Likely benign for DHDDS-related condition. Last evaluated: 2026-07-27. Review status: criteria provided, single submitter. Criteria: ACMG Guidelines, 2015. Collection method: clinical testing. Allele origin: germline.
Comment: This variant is classified as likely benign based on ACMG/AMP sequence variant interpretation guidelines (Richards et al. 2015 PMID: 25741868, with internal and published modifications).

Labcorp Genetics (formerly Invitae), Labcorp
Classification: Likely benign for Retinitis pigmentosa 59. Last evaluated: 2025-10-13. Review status: criteria provided, single submitter. Criteria: Invitae Variant Classification Sherloc (09022015). Collection method: clinical testing. Allele origin: germline.

NM_205861.3(DHDDS):c.441-20T>G

Gene: DHDDS (dehydrodolichyl diphosphate synthase subunit; plus strand). Cytogenetic location: 1p36.11.
Variant type: single nucleotide variant.
Coding change: c.441-20T>G on transcript NM_205861.3 (MANE Select); 20 bases into the intron before coding-DNA position 441, T replaced by G.
Molecular consequence: intron variant.
Genome position (GRCh38, 1-based): chr1:26,447,539, T>G. VCF-style: chr1-26447539-T-G. GRCh37 (hg19) VCF-style: chr1-26774030-T-G.
Other names: c.162-20T>G (NM_001319959.2); c.441-20T>G (NM_024887.4, NM_024887.3); c.440+1107T>G (NM_001243564.2); c.324-20T>G (NM_001243565.2).
Identifiers: ClinVar variation 1506776 (VCV001506776.9), dbSNP rs750044465, ClinGen allele CA705346.